The following is an entry in ClinVar:

ClinVar aggregate classification (germline): Uncertain significance (1 of 4 stars; one submission).

Submission:

GeneDx
Classification: Uncertain significance. Last evaluated: 2023-05-04. Review status: criteria provided, single submitter. Criteria: GeneDx Variant Classification Process June 2021. Collection method: clinical testing. Allele origin: germline.
Comment: Not observed at significant frequency in large population cohorts (gnomAD); In silico analysis supports that this missense variant does not alter protein structure/function; Has not been previously published as pathogenic or benign to our knowledge

NM_015898.4(ZBTB7A):c.373G>A (p.Asp125Asn)

Gene: ZBTB7A (zinc finger and BTB domain containing 7A; minus strand). Cytogenetic location: 19p13.3.
Variant type: single nucleotide variant.
Coding change: c.373G>A on transcript NM_015898.4 (MANE Select); coding-DNA position 373, G replaced by A.
Protein change: p.Asp125Asn; replaces aspartic acid 125 with asparagine.
Molecular consequence: missense variant.
Genome position (GRCh38, 1-based): chr19:4,054,860, C>T on the plus strand (G>A on the coding strand, the complement: ZBTB7A is on the minus strand). VCF-style: chr19-4054860-C-T. GRCh37 (hg19) VCF-style: chr19-4054858-C-T.
Other names: c.373G>A, p.Asp125Asn (NM_001317990.2); short protein forms D125N.
Identifiers: ClinVar variation 2497784 (VCV002497784.2), dbSNP rs2040559235, ClinGen allele CA403368280.
Genomic context (GRCh38, chr19:4,054,860, plus strand): 5'-GGTCCAGCTGCCCGGCGTCGGCGCCCGCGTCGGCCGCCAGGATCTGCCGGTCCAGGAGGT[C>T]GGCGCACACGTGGCTCACGGCGGGGATCTCCAGCAGGCGGGCGGCGCTGAGGATGTCACC-3'
Protein context (NP_056982.1, residues 115-135): EIPAVSHVCA[Asp125Asn]LLDRQILAAD